The following is an entry in ClinVar:

NM_001318852.2(MAPK8IP3):c.3880G>A (p.Asp1294Asn)

Gene: MAPK8IP3 (mitogen-activated protein kinase 8 interacting protein 3; plus strand). Cytogenetic location: 16p13.3.
Variant type: single nucleotide variant.
Coding change: c.3880G>A on transcript NM_001318852.2 (MANE Select); coding-DNA position 3880, G replaced by A.
Protein change: p.Asp1294Asn; replaces aspartic acid 1294 with asparagine.
Molecular consequence: missense variant.
Genome position (GRCh38, 1-based): chr16:1,768,614, G>A. VCF-style: chr16-1768614-G-A. GRCh37 (hg19) VCF-style: chr16-1818615-G-A.
Other names: c.3859G>A, p.Asp1287Asn (NM_001040439.2); c.3877G>A, p.Asp1293Asn (NM_015133.5); short protein forms D1287N, D1293N, D1294N.
Identifiers: ClinVar variation 3901306 (VCV003901306.1).

ClinVar aggregate classification (germline): Uncertain significance (1 of 4 stars; one submission).

Submission:

GeneDx
Classification: Uncertain significance. Last evaluated: 2024-12-03. Review status: criteria provided, single submitter. Criteria: GeneDx Variant Classification Process June 2021. Collection method: clinical testing. Allele origin: germline. Affected: yes.
Comment: Not observed at significant frequency in large population cohorts (gnomAD); In silico analysis supports that this missense variant has a deleterious effect on protein structure/function; Has not been previously published as pathogenic or benign to our knowledge